The following is an entry in ClinVar:

NM_004086.3(COCH):c.1115T>C (p.Ile372Thr)

Genes: COCH (cochlin; plus strand), COCH-AS1 (COCH antisense RNA 1; minus strand). Cytogenetic location: 14q12.
Variant type: single nucleotide variant.
Coding change: c.1115T>C on transcript NM_004086.3 (MANE Select); coding-DNA position 1115, T replaced by C.
Protein change: p.Ile372Thr; replaces isoleucine 372 with threonine.
Molecular consequence: missense variant. On other transcripts: non-coding transcript variant (1).
Genome position (GRCh38, 1-based): chr14:30,885,950, T>C. VCF-style: chr14-30885950-T-C. GRCh37 (hg19) VCF-style: chr14-31355156-T-C.
Other names: c.1115T>C, p.Ile372Thr (NM_001135058.2); c.1310T>C, p.Ile437Thr (NM_001347720.2); short protein forms I437T, I372T.
Identifiers: ClinVar variation 813819 (VCV000813819.4), dbSNP rs1594385065, ClinGen allele CA389348313.

ClinVar aggregate classification (germline): Uncertain significance. Review status: criteria provided, single submitter (1 of 4 stars). 2 submissions from 2 submitters: Uncertain significance (1). 1 of the submissions does not count toward it. Last evaluated 2022-11-07.

Conditions:
Autosomal dominant nonsyndromic hearing loss 9. Identifiers: Orphanet 90635, MedGen C1832425, MONDO:0011058, OMIM 601369.

Allele frequency attached by ClinVar (database versions not stated): gnomAD exomes below 0.00001.
gnomAD v4.1: 4 of 1,614,218 alleles (0.00025%); highest among the groups gnomAD compares: East Asian, 0.0022%; no homozygotes.

Submissions (2):

Labcorp Genetics (formerly Invitae), Labcorp
Classification: Uncertain significance. Last evaluated: 2022-11-07. Review status: criteria provided, single submitter. Criteria: Invitae Variant Classification Sherloc (09022015). Collection method: clinical testing. Allele origin: germline.
Comment: In summary, the available evidence is currently insufficient to determine the role of this variant in disease. Therefore, it has been classified as a Variant of Uncertain Significance. Advanced modeling of protein sequence and biophysical properties (such as structural, functional, and spatial information, amino acid conservation, physicochemical variation, residue mobility, and thermodynamic stability) performed at Invitae indicates that this missense variant is expected to disrupt COCH protein function. ClinVar contains an entry for this variant (Variation ID: 813819). This missense change has been observed in individual(s) with COCH-related conditions (PMID: 25780252). This variant is not present in population databases (gnomAD no frequency). This sequence change replaces isoleucine, which is neutral and non-polar, with threonine, which is neutral and polar, at codon 372 of the COCH protein (p.Ile372Thr).

Laboratory of Prof. Karen Avraham, Tel Aviv University
Classification: Pathogenic for Autosomal dominant nonsyndromic hearing loss 9. Last evaluated: 2019-11-21. Review status: no assertion criteria provided. Collection method: research. Allele origin: germline. Affected: yes. Not counted in ClinVar's aggregate classification.
Comment: Dominant, late onset, progressive mild-moderate NSHL

Literature cited by the submitters: PubMed 25780252 (cited by Labcorp Genetics (formerly Invitae), Labcorp and Laboratory of Prof. Karen Avraham, Tel Aviv University).